The following is an entry in ClinVar:

ClinVar aggregate classification (germline): Conflicting classifications of pathogenicity. Review status: criteria provided, conflicting classifications (1 of 4 stars). 3 submissions from 3 submitters: Uncertain significance (2); Likely benign (1). Last evaluated 2026-01-12.

Allele frequency attached by ClinVar (database versions not stated): gnomAD 0.00014 and 0.00015; gnomAD exomes 0.00023 and 0.00029; ExAC 0.00027; TOPMed 0.00028; 1000 Genomes Project 30x 0.00031; ESP Exome Variant Server 0.00031; 1000 Genomes Project 0.00040.
gnomAD v4.1: 456 of 1,613,648 alleles (0.028%); highest among the groups gnomAD compares: Middle Eastern, 0.099%; no homozygotes.

Submissions (3):

Labcorp Genetics (formerly Invitae), Labcorp
Classification: Uncertain significance. Last evaluated: 2026-01-12. Review status: criteria provided, single submitter. Criteria: Invitae Variant Classification Sherloc (09022015). Collection method: clinical testing. Allele origin: germline.
Comment: This sequence change replaces proline, which is neutral and non-polar, with leucine, which is neutral and non-polar, at codon 340 of the MKL1 protein (p.Pro340Leu). This variant is present in population databases (rs150562993, gnomAD 0.1%), and has an allele count higher than expected for a pathogenic variant. This variant has not been reported in the literature in individuals affected with MKL1-related conditions. ClinVar contains an entry for this variant (Variation ID: 1683090). An algorithm developed to predict the effect of missense changes on protein structure and function outputs the following: PolyPhen-2: "Benign". The leucine amino acid residue is found in multiple mammalian species, which suggests that this missense change does not adversely affect protein function. In summary, the available evidence is currently insufficient to determine the role of this variant in disease. Therefore, it has been classified as a Variant of Uncertain Significance.

Blueprint Genetics
Classification: Likely benign. Last evaluated: 2024-11-26. Review status: criteria provided, single submitter. Criteria: ACMG Guidelines, 2015. Collection method: clinical testing. Allele origin: germline.

Ambry Genetics
Classification: Uncertain significance. Last evaluated: 2021-09-15. Review status: criteria provided, single submitter. Criteria: Ambry Variant Classification Scheme 2023. Collection method: clinical testing. Allele origin: germline.

NM_020831.6(MRTFA):c.1319C>T (p.Pro440Leu)

Gene: MRTFA (myocardin related transcription factor A; minus strand). Cytogenetic location: 22q13.1.
Variant type: single nucleotide variant.
Coding change: c.1319C>T on transcript NM_020831.6 (MANE Select); coding-DNA position 1319, C replaced by T.
Protein change: p.Pro440Leu; replaces proline 440 with leucine.
Molecular consequence: missense variant.
Genome position (GRCh38, 1-based): chr22:40,420,439, G>A on the plus strand (C>T on the coding strand, the complement: MRTFA is on the minus strand). VCF-style: chr22-40420439-G-A. GRCh37 (hg19) VCF-style: chr22-40816443-G-A.
Other names: c.1019C>T, p.Pro340Leu (NM_001282660.2); c.1169C>T, p.Pro390Leu (NM_001282661.3); c.1319C>T, p.Pro440Leu (NM_001282662.3); c.1124C>T, p.Pro375Leu (NM_001318139.2); c.1019C>T (NM_020831.3); short protein forms P340L, P375L, P390L, P440L.
Identifiers: ClinVar variation 1683090 (VCV001683090.8), dbSNP rs150562993, ClinGen allele CA10249709.
Genomic context (GRCh38, chr22:40,420,439, plus strand): 5'-GCTCAAGTTTTCCAGTGGCCATGTACCTTCATGTCGTCCAGGTTGGCCGGCAGGGCTCCC[G>A]GCTTGCCAGTCAGTGAGGTGCTGTTCTGACGTGCCAGCCCACAGGGCCCAGGGGCGCCCG-3'
Protein context (NP_065882.2, residues 430-450): RQNSTSLTGK[Pro440Leu]GALPANLDDM